The following is an entry in ClinVar:

ClinVar aggregate classification (germline): Uncertain significance. Review status: criteria provided, multiple submitters, no conflicts (2 of 4 stars). 2 submissions from 2 submitters: Uncertain significance (2). Last evaluated 2023-09-29.

Conditions:
Hereditary cancer-predisposing syndrome. Also called: Tumor predisposition; Hereditary Cancer Syndrome; Neoplastic Syndromes, Hereditary; Hereditary neoplastic syndrome. Identifiers: Orphanet 140162, MedGen C0027672, MeSH D009386, MONDO:0015356.
Ataxia-telangiectasia syndrome (AT). Also called: Cerebello-oculocutaneous telangiectasia; Immunodeficiency with ataxia telangiectasia; Ataxia-telangiectasia, complementation group D; AT, COMPLEMENTATION GROUP C; Ataxia-telangiectasia, complementation group E; LOUIS-BAR SYNDROME. Identifiers: Orphanet 100, MedGen C0004135, MONDO:0008840, OMIM 208900.

Submissions (2):

Ambry Genetics
Classification: Uncertain significance for Hereditary cancer-predisposing syndrome. Last evaluated: 2023-09-29. Review status: criteria provided, single submitter. Criteria: Ambry Variant Classification Scheme 2023. Collection method: clinical testing. Allele origin: germline.
Comment: The p.E473G variant (also known as c.1418A>G), located in coding exon 9 of the ATM gene, results from an A to G substitution at nucleotide position 1418. The glutamic acid at codon 473 is replaced by glycine, an amino acid with similar properties. This amino acid position is conserved. In addition, this alteration is predicted to be tolerated by in silico analysis. Since supporting evidence is limited at this time, the clinical significance of this alteration remains unclear.

Labcorp Genetics (formerly Invitae), Labcorp
Classification: Uncertain significance for Ataxia-telangiectasia syndrome. Last evaluated: 2023-06-20. Review status: criteria provided, single submitter. Criteria: Invitae Variant Classification Sherloc (09022015). Collection method: clinical testing. Allele origin: germline.
Comment: In summary, the available evidence is currently insufficient to determine the role of this variant in disease. Therefore, it has been classified as a Variant of Uncertain Significance. An algorithm developed to predict the effect of missense changes on protein structure and function (PolyPhen-2) suggests that this variant is likely to be tolerated. ClinVar contains an entry for this variant (Variation ID: 453364). This variant has not been reported in the literature in individuals affected with ATM-related conditions. This variant is not present in population databases (gnomAD no frequency). This sequence change replaces glutamic acid, which is acidic and polar, with glycine, which is neutral and non-polar, at codon 473 of the ATM protein (p.Glu473Gly).

NM_000051.4(ATM):c.1418A>G (p.Glu473Gly)

Gene: ATM (ATM serine/threonine kinase; plus strand). Cytogenetic location: 11q22.3.
Variant type: single nucleotide variant.
Coding change: c.1418A>G on transcript NM_000051.4 (MANE Select); coding-DNA position 1418, A replaced by G.
Protein change: p.Glu473Gly; replaces glutamic acid 473 with glycine.
Molecular consequence: missense variant.
Genome position (GRCh38, 1-based): chr11:108,250,883, A>G. VCF-style: chr11-108250883-A-G. GRCh37 (hg19) VCF-style: chr11-108121610-A-G.
Other names: c.1418A>G, p.Glu473Gly (NM_001351834.2); short protein forms E473G.
Identifiers: ClinVar variation 453364 (VCV000453364.9), dbSNP rs1555070923, ClinGen allele CA382533994.
Genomic context (GRCh38, chr11:108,250,883, plus strand): 5'-CATATGTGTTACGATGCCTTACGGAAGTTGCATTGTGTCAAGACAAGAGGTCAAACCTAG[A>G]AAGCTCACAAAAGTCAGATTTATTAAAACTCTGGAATAAAATTTGGTGTATTACCTTTCG-3'
Protein context (NP_000042.3, residues 463-483): ALCQDKRSNL[Glu473Gly]SSQKSDLLKL